The following is an entry in ClinVar:

NM_004924.6(ACTN4):c.1144-11C>A

Gene: ACTN4 (actinin alpha 4; plus strand). Cytogenetic location: 19q13.2.
Variant type: single nucleotide variant.
Coding change: c.1144-11C>A on transcript NM_004924.6 (MANE Select); 11 bases into the intron before coding-DNA position 1144, C replaced by A.
Molecular consequence: intron variant.
Genome position (GRCh38, 1-based): chr19:38,717,916, C>A. VCF-style: chr19-38717916-C-A. GRCh37 (hg19) VCF-style: chr19-39208556-C-A.
Other names: c.1144-11C>A (NM_001322033.2).
Identifiers: ClinVar variation 259566 (VCV000259566.4), dbSNP rs573020950, ClinGen allele CA9417541.
Genomic context (GRCh38, chr19:38,717,916, plus strand): 5'-TCCCTTGGAGACATCCCCCTGGGTGCCTCCACTTCCTTGTGATAGCCCTGCCTGCTCCTG[C>A]CCTGCCCCAGGACATCAACAATGGCTGGCAGCACTTGGAGCAGGCTGAGAAGGGCTACGA-3'

ClinVar aggregate classification (germline): Conflicting classifications of pathogenicity. Review status: criteria provided, conflicting classifications (1 of 4 stars). 2 submissions from 2 submitters: Uncertain significance (1); Likely benign (1). Last evaluated 2025-07-14.

Allele frequency attached by ClinVar (database versions not stated): gnomAD exomes 0.00012 and 0.00004; ExAC 0.00011; gnomAD 0.00007; TOPMed 0.00008.
gnomAD v4.1: 171 of 1,585,466 alleles (0.011%); highest among the groups gnomAD compares: Non-Finnish European, 0.015%; no homozygotes.

Submissions (2):

Labcorp Genetics (formerly Invitae), Labcorp
Classification: Uncertain significance. Last evaluated: 2025-07-14. Review status: criteria provided, single submitter. Criteria: Invitae Variant Classification Sherloc (09022015). Collection method: clinical testing. Allele origin: germline.
Comment: This sequence change falls in intron 10 of the ACTN4 gene. It does not directly change the encoded amino acid sequence of the ACTN4 protein. This variant is present in population databases (rs573020950, gnomAD 0.01%). This variant has not been reported in the literature in individuals affected with ACTN4-related conditions. ClinVar contains an entry for this variant (Variation ID: 259566). Algorithms developed to predict the effect of sequence changes on RNA splicing suggest that this variant may disrupt the consensus splice site. In summary, the available evidence is currently insufficient to determine the role of this variant in disease. Therefore, it has been classified as a Variant of Uncertain Significance.

PreventionGenetics, part of Exact Sciences
Classification: Likely benign. Review status: criteria provided, single submitter. Criteria: ACMG Guidelines, 2015. Collection method: clinical testing. Allele origin: germline.